The following is an entry in ClinVar:

ClinVar aggregate classification (germline): Uncertain significance (1 of 4 stars; one submission).

Conditions:
PCNT-related disorder. Also called: PCNT-related condition.

gnomAD v4.1: 5 of 1,612,178 alleles (0.00031%); highest among the groups gnomAD compares: Non-Finnish European, 0.00042%; no homozygotes.

Submission:

PreventionGenetics, part of Exact Sciences
Classification: Uncertain significance for PCNT-related condition. Last evaluated: 2025-03-17. Review status: criteria provided, single submitter. Criteria: ACMG Guidelines, 2015. Collection method: clinical testing. Allele origin: germline.
Comment: The PCNT c.7498G>T variant is predicted to result in the amino acid substitution p.Asp2500Tyr. To our knowledge, this variant has not been reported in the literature or in a large population database (gnomAD), indicating this variant is rare. At this time, the clinical significance of this variant is uncertain due to the absence of conclusive functional and genetic evidence.

NM_006031.6(PCNT):c.7498G>T (p.Asp2500Tyr)

Gene: PCNT (pericentrin; plus strand). Cytogenetic location: 21q22.3.
Variant type: single nucleotide variant.
Coding change: c.7498G>T on transcript NM_006031.6 (MANE Select); coding-DNA position 7498, G replaced by T.
Protein change: p.Asp2500Tyr; replaces aspartic acid 2500 with tyrosine.
Molecular consequence: missense variant.
Genome position (GRCh38, 1-based): chr21:46,428,398, G>T. VCF-style: chr21-46428398-G-T. GRCh37 (hg19) VCF-style: chr21-47848312-G-T.
Other names: c.7144G>T, p.Asp2382Tyr (NM_001315529.2); short protein forms D2500Y, D2382Y.
Identifiers: ClinVar variation 4983402 (VCV004983402.1).